The following is an entry in ClinVar:

ClinVar aggregate classification (germline): Uncertain significance (1 of 4 stars; one submission).

Allele frequency attached by ClinVar (database versions not stated): gnomAD exomes below 0.00001; ExAC 0.00001; gnomAD 0.00001; TOPMed 0.00001.
gnomAD v4.1: 4 of 1,614,008 alleles (0.00025%); highest among the groups gnomAD compares: Admixed American, 0.0017%; no homozygotes.

Submission:

Labcorp Genetics (formerly Invitae), Labcorp
Classification: Uncertain significance. Last evaluated: 2022-07-07. Review status: criteria provided, single submitter. Criteria: Invitae Variant Classification Sherloc (09022015). Collection method: clinical testing. Allele origin: germline.
Comment: This sequence change affects codon 235 of the LAMC3 mRNA. It is a 'silent' change, meaning that it does not change the encoded amino acid sequence of the LAMC3 protein. This variant is present in population databases (rs761655482, gnomAD 0.0009%). This variant has not been reported in the literature in individuals affected with LAMC3-related conditions. Algorithms developed to predict the effect of sequence changes on RNA splicing suggest that this variant may disrupt the consensus splice site. In summary, the available evidence is currently insufficient to determine the role of this variant in disease. Therefore, it has been classified as a Variant of Uncertain Significance.

NM_006059.4(LAMC3):c.705C>T (p.Leu235=)

Gene: LAMC3 (laminin subunit gamma 3; plus strand). Cytogenetic location: 9q34.12.
Variant type: single nucleotide variant.
Coding change: c.705C>T on transcript NM_006059.4 (MANE Select); coding-DNA position 705, C replaced by T.
Protein change: p.Leu235=; no amino-acid change (leucine 235 retained).
Molecular consequence: synonymous variant.
Genome position (GRCh38, 1-based): chr9:131,032,071, C>T. VCF-style: chr9-131032071-C-T. GRCh37 (hg19) VCF-style: chr9-133907458-C-T.
Identifiers: ClinVar variation 1961775 (VCV001961775.2), dbSNP rs761655482, ClinGen allele CA5286783.
Genomic context (GRCh38, chr9:131,032,071, plus strand): 5'-ACCTGCTGATGGCACCCTCTCCCCTCTGCCCCAGGAGTGGGTCACCAGCACCGAACTCCT[C>T]ATCTCTCTAGACCGGCTCAACACGTTTGGGGACGACATCTTCAAGGACCCCAAGGTGCTC-3'
Protein context (NP_006050.3, residues 225-245): LQEWVTSTEL[Leu235=]ISLDRLNTFG